The following is an entry in ClinVar:

ClinVar aggregate classification (germline): Uncertain significance. Review status: criteria provided, single submitter (1 of 4 stars). 2 submissions from 2 submitters: Uncertain significance (1). 1 of the submissions does not count toward it. Last evaluated 2022-12-29.

Conditions:
PAX7-related disorder. Also called: PAX7-related condition.

Allele frequency attached by ClinVar (database versions not stated): ExAC 0.00023; 1000 Genomes Project 30x 0.00031; 1000 Genomes Project 0.00040; gnomAD 0.00072; TOPMed 0.00081; ESP Exome Variant Server 0.00085.

Submissions (2):

Mayo Clinic Laboratories, Mayo Clinic
Classification: Uncertain significance. Last evaluated: 2022-12-29. Review status: criteria provided, single submitter. Criteria: ACMG Guidelines, 2015. Collection method: clinical testing. Allele origin: germline. Observed: 1 variant allele.
Comment: BP4

PreventionGenetics, part of Exact Sciences
Classification: Likely benign for PAX7-related condition. Last evaluated: 2022-12-08. Review status: no assertion criteria provided. Collection method: clinical testing. Allele origin: germline. Not counted in ClinVar's aggregate classification.
Comment: This variant is classified as likely benign based on ACMG/AMP sequence variant interpretation guidelines (Richards et al. 2015 PMID: 25741868, with internal and published modifications).

Literature cited by the submitters: PubMed 35499749 (cited by Mayo Clinic Laboratories, Mayo Clinic).

NM_001135254.2(PAX7):c.1375G>A (p.Gly459Ser)

Gene: PAX7 (paired box 7; plus strand). Cytogenetic location: 1p36.13.
Variant type: single nucleotide variant.
Coding change: c.1375G>A on transcript NM_001135254.2 (MANE Select); coding-DNA position 1375, G replaced by A.
Protein change: p.Gly459Ser; replaces glycine 459 with serine.
Molecular consequence: missense variant.
Genome position (GRCh38, 1-based): chr1:18,735,851, G>A. VCF-style: chr1-18735851-G-A. GRCh37 (hg19) VCF-style: chr1-19062345-G-A.
Other names: p.Gly459Ser; c.1375G>A, p.Gly459Ser (NM_002584.3); c.1369G>A, p.Gly457Ser (NM_013945.3); c.1375G>A (NM_002584.2); short protein forms G457S, G459S.
Identifiers: ClinVar variation 2683703 (VCV002683703.3), dbSNP rs145120435, ClinGen allele CA645943.